The following is an entry in ClinVar:

NM_004360.5(CDH1):c.789C>G (p.Thr263=)

Gene: CDH1 (cadherin 1; plus strand). Cytogenetic location: 16q22.1.
Variant type: single nucleotide variant.
Coding change: c.789C>G on transcript NM_004360.5 (MANE Select); coding-DNA position 789, C replaced by G.
Protein change: p.Thr263=; no amino-acid change (threonine 263 retained).
Molecular consequence: synonymous variant. On other transcripts: 5 prime UTR variant (2).
Genome position (GRCh38, 1-based): chr16:68,810,298, C>G. VCF-style: chr16-68810298-C-G. GRCh37 (hg19) VCF-style: chr16-68844201-C-G.
Other names: c.789C>G (LRG_301t1); c.789C>G, p.Thr263= (NM_001317184.2); c.-827C>G (NM_001317185.2); c.-1031C>G (NM_001317186.2).
Identifiers: ClinVar variation 479530 (VCV000479530.19), dbSNP rs1555515457, ClinGen allele CA496152808.
Genomic context (GRCh38, chr16:68,810,298, plus strand): 5'-GGATCCAATGGAGATTTTGATCACGGTAACCGATCAGAATGACAACAAGCCCGAATTCAC[C>G]CAGGAGGTCTTTAAGGGGTCTGTCATGGAAGGTGCTCTTCCAGGTATATCCACTAATGAG-3'
Protein context (NP_004351.1, residues 253-273): TDQNDNKPEF[Thr263=]QEVFKGSVME

ClinVar aggregate classification (germline): Benign/Likely benign. Review status: criteria provided, multiple submitters, no conflicts (2 of 4 stars). 4 submissions from 4 submitters: Benign (1); Likely benign (3). Last evaluated 2025-10-25.

Conditions:
Hereditary cancer-predisposing syndrome. Also called: Tumor predisposition; Neoplastic Syndromes, Hereditary; Hereditary Cancer Syndrome; Hereditary neoplastic syndrome. Identifiers: Orphanet 140162, MedGen C0027672, MeSH D009386, MONDO:0015356.
Hereditary diffuse gastric adenocarcinoma (HDGC). Also called: DIFFUSE GASTRIC AND LOBULAR BREAST CANCER SYNDROME. Identifiers: Orphanet 26106, MedGen C1708349, MONDO:0007648, OMIM 137215.

Submissions (4):

Labcorp Genetics (formerly Invitae), Labcorp
Classification: Likely benign for Hereditary diffuse gastric adenocarcinoma. Last evaluated: 2025-10-25. Review status: criteria provided, single submitter. Criteria: Invitae Variant Classification Sherloc (09022015). Collection method: clinical testing. Allele origin: germline.

Myriad Genetics, Inc.
Classification: Benign for Hereditary diffuse gastric adenocarcinoma. Last evaluated: 2024-09-16. Review status: criteria provided, single submitter. Criteria: Myriad Autosomal Dominant, Autosomal Recessive and X-Linked Classification Criteria (2023). Collection method: clinical testing. Allele origin: unknown.
Comment: This variant is considered benign. This variant is a silent/synonymous amino acid change and it is not expected to impact splicing.

Color Diagnostics, LLC DBA Color Health
Classification: Likely benign for Hereditary cancer-predisposing syndrome. Last evaluated: 2019-04-13. Review status: criteria provided, single submitter. Criteria: ACMG Guidelines, 2015. Collection method: clinical testing. Allele origin: germline.

Ambry Genetics
Classification: Likely benign for Hereditary cancer-predisposing syndrome. Last evaluated: 2017-07-06. Review status: criteria provided, single submitter. Criteria: Ambry Variant Classification Scheme 2023. Collection method: clinical testing. Allele origin: germline.